The following is an entry in ClinVar:

ClinVar aggregate classification (germline): Likely benign. Review status: criteria provided, multiple submitters, no conflicts (2 of 4 stars). 2 submissions from 2 submitters: Likely benign (2). Last evaluated 2024-10-15.

Conditions:
Hereditary diffuse gastric adenocarcinoma (HDGC). Also called: DIFFUSE GASTRIC AND LOBULAR BREAST CANCER SYNDROME. Identifiers: Orphanet 26106, MedGen C1708349, MONDO:0007648, OMIM 137215.

Submissions (2):

Myriad Genetics, Inc.
Classification: Likely benign for Hereditary diffuse gastric adenocarcinoma. Last evaluated: 2024-10-15. Review status: criteria provided, single submitter. Criteria: Myriad Autosomal Dominant, Autosomal Recessive and X-Linked Classification Criteria (2023). Collection method: clinical testing. Allele origin: unknown.
Comment: This variant is considered likely benign. This variant is intronic and is not expected to impact mRNA splicing.

Labcorp Genetics (formerly Invitae), Labcorp
Classification: Likely benign. Last evaluated: 2024-02-07. Review status: criteria provided, single submitter. Criteria: Invitae Variant Classification Sherloc (09022015). Collection method: clinical testing. Allele origin: germline.

NM_001903.5(CTNNA1):c.2433+6dup

Gene: CTNNA1 (catenin alpha 1; plus strand). Cytogenetic location: 5q31.2.
Variant type: Duplication.
Coding change: c.2433+6dup on transcript NM_001903.5 (MANE Select); 6 bases into the intron after coding-DNA position 2433, one base duplicated (C; older notation c.2433+6dupC).
Molecular consequence: intron variant.
Genome position (GRCh38, 1-based): chr5:138,932,718, C duplicated. VCF-style (leftmost placement, unchanged base first): chr5-138932717-G-GC. GRCh37 (hg19) VCF-style: chr5-138268406-G-GC.
Other names: c.1323+6dup (NM_001323987.1, NM_001324002.1, NM_001290312.1 and 16 more transcripts); c.1080+6dup (NM_001324012.1, NM_001324013.1); c.984+6dup (NM_001324010.1, NM_001324009.1, NM_001324006.1 and 2 more transcripts); c.1189-1084dup (NM_001324001.1); c.1230+6dup (NM_001324011.1); c.2433+6dup (NM_001323982.2, NM_001323984.2, NM_001290307.3 and 2 more transcripts); c.2340+6dup (NM_001323986.2); c.2064+6dup (NM_001290310.3); and 1 more.
Identifiers: ClinVar variation 3627095 (VCV003627095.3).